The following is an entry in ClinVar:

ClinVar aggregate classification (germline): Uncertain significance. Review status: criteria provided, multiple submitters, no conflicts (2 of 4 stars). 2 submissions from 2 submitters: Uncertain significance (2). Last evaluated 2022-11-02.

Allele frequency attached by ClinVar (database versions not stated): gnomAD exomes 0.00001.
gnomAD v4.1: 6 of 1,613,808 alleles (0.00037%); highest among the groups gnomAD compares: South Asian, 0.0066%; no homozygotes.

Submissions (2):

Labcorp Genetics (formerly Invitae), Labcorp
Classification: Uncertain significance. Last evaluated: 2022-11-02. Review status: criteria provided, single submitter. Criteria: Invitae Variant Classification Sherloc (09022015). Collection method: clinical testing. Allele origin: germline.
Comment: In summary, the available evidence is currently insufficient to determine the role of this variant in disease. Therefore, it has been classified as a Variant of Uncertain Significance. Algorithms developed to predict the effect of missense changes on protein structure and function output the following: SIFT: "Tolerated"; PolyPhen-2: "Benign"; Align-GVGD: "Class C0". The glycine amino acid residue is found in multiple mammalian species, which suggests that this missense change does not adversely affect protein function. This variant has not been reported in the literature in individuals affected with IMPG1-related conditions. This variant is present in population databases (no rsID available, gnomAD 0.006%). This sequence change replaces aspartic acid, which is acidic and polar, with glycine, which is neutral and non-polar, at codon 461 of the IMPG1 protein (p.Asp461Gly).

Blueprint Genetics
Classification: Uncertain significance. Last evaluated: 2020-11-20. Review status: criteria provided, single submitter. Criteria: ACMG Guidelines, 2015. Collection method: clinical testing. Allele origin: germline.

NM_001563.4(IMPG1):c.1382A>G (p.Asp461Gly)

Gene: IMPG1 (interphotoreceptor matrix proteoglycan 1; minus strand). Cytogenetic location: 6q14.1.
Variant type: single nucleotide variant.
Coding change: c.1382A>G on transcript NM_001563.4 (MANE Select); coding-DNA position 1382, A replaced by G.
Protein change: p.Asp461Gly; replaces aspartic acid 461 with glycine.
Molecular consequence: missense variant.
Genome position (GRCh38, 1-based): chr6:75,951,004, T>C on the plus strand (A>G on the coding strand, the complement: IMPG1 is on the minus strand). VCF-style: chr6-75951004-T-C. GRCh37 (hg19) VCF-style: chr6-76660721-T-C.
Other names: c.1148A>G, p.Asp383Gly (NM_001282368.2); short protein forms D383G, D461G.
Identifiers: ClinVar variation 2811561 (VCV002811561.4), dbSNP rs1305774918, ClinGen allele CA364778083.
Genomic context (GRCh38, chr6:75,951,004, plus strand): 5'-ATGGTGAGCCCTGGTACTAGCATTGTCTGGTCAGTGGCCATTGTATCTGTGGTGCCTTGA[T>C]CAGTCAGAGAGAAGATGCTTGATGCCATAAAGAAAGGTGGAGCTTCTGACAGGGAGGTAG-3'
Protein context (NP_001554.2, residues 451-471): FMASSIFSLT[Asp461Gly]QGTTDTMATD